The following is an entry in ClinVar:

NM_000287.4(PEX6):c.2584G>C (p.Gly862Arg)

Gene: PEX6 (peroxisomal biogenesis factor 6; minus strand). Cytogenetic location: 6p21.1.
Variant type: single nucleotide variant.
Coding change: c.2584G>C on transcript NM_000287.4 (MANE Select); coding-DNA position 2584, G replaced by C.
Protein change: p.Gly862Arg; replaces glycine 862 with arginine.
Molecular consequence: missense variant. On other transcripts: non-coding transcript variant (1).
Genome position (GRCh38, 1-based): chr6:42,965,256, C>G on the plus strand (G>C on the coding strand, the complement: PEX6 is on the minus strand). VCF-style: chr6-42965256-C-G. GRCh37 (hg19) VCF-style: chr6-42932994-C-G.
Other names: c.2320G>C, p.Gly774Arg (NM_001316313.2); short protein forms G774R, G862R.
Identifiers: ClinVar variation 2968977 (VCV002968977.3), dbSNP rs2481199616, ClinGen allele CA364150853.

ClinVar aggregate classification (germline): Likely pathogenic (1 of 4 stars; one submission).

Conditions:
Peroxisome biogenesis disorder. Identifiers: Orphanet 79189, MedGen C1832200, MONDO:0019234. Disease mechanism: loss of function.

Submission:

Labcorp Genetics (formerly Invitae), Labcorp
Classification: Likely pathogenic for Peroxisome biogenesis disorder. Last evaluated: 2026-01-06. Review status: criteria provided, single submitter. Criteria: Invitae Variant Classification Sherloc (09022015). Collection method: clinical testing. Allele origin: germline.
Comment: This sequence change replaces glycine, which is neutral and non-polar, with arginine, which is basic and polar, at codon 862 of the PEX6 protein (p.Gly862Arg). This variant is not present in population databases (gnomAD no frequency). This variant has not been reported in the literature in individuals affected with PEX6-related conditions. ClinVar contains an entry for this variant (Variation ID: 2968977). Invitae Evidence Modeling of protein sequence and biophysical properties (such as structural, functional, and spatial information, amino acid conservation, physicochemical variation, residue mobility, and thermodynamic stability) indicates that this missense variant is expected to disrupt PEX6 protein function with a positive predictive value of 95%. This variant disrupts the p.Gly862 amino acid residue in PEX6. Other variant(s) that disrupt this residue have been determined to be pathogenic (PMID: 34662339). This suggests that this residue is clinically significant, and that variants that disrupt this residue are likely to be disease-causing. In summary, the currently available evidence indicates that the variant is pathogenic, but additional data are needed to prove that conclusively. Therefore, this variant has been classified as Likely Pathogenic.

Literature cited by the submitters: PubMed 34662339.